The following is an entry in ClinVar:

NM_001378454.1(ALMS1):c.5698_5701del (p.Glu1900fs)

Gene: ALMS1 (ALMS1 centrosome and basal body associated protein; plus strand). Cytogenetic location: 2p13.1.
Variant type: Microsatellite.
Coding change: c.5698_5701del on transcript NM_001378454.1 (MANE Select); coding-DNA positions 5698 to 5701, 4 bases deleted (GAGA; older notation c.5698_5701delGAGA).
Protein change: p.Glu1900fs; shifts the reading frame from glutamic acid 1900.
Molecular consequence: frameshift variant.
Genome position (GRCh38, 1-based): chr2:73,452,225-73,452,228, GAGA deleted; deleting any 4 consecutive bases within chr2:73,452,222-73,452,228 gives the same sequence; the c. name uses the placement nearest the transcript's 3' end. VCF-style (leftmost placement, unchanged base first): chr2-73452221-TAGAG-T. GRCh37 (hg19) VCF-style: chr2-73679348-TAGAG-T.
Other names: c.5701_5704del, p.Glu1901fs (NM_015120.4); short protein forms E1900fs, E1901fs.
Identifiers: ClinVar variation 1444240 (VCV001444240.6), dbSNP rs1558650438, ClinGen allele CA534125679.

ClinVar aggregate classification (germline): Pathogenic (1 of 4 stars; one submission).

Conditions:
Alstrom syndrome (ALMS). Identifiers: Orphanet 64, MedGen C0268425, MONDO:0008763, OMIM 203800.

Submission:

Labcorp Genetics (formerly Invitae), Labcorp
Classification: Pathogenic for Alstrom syndrome. Last evaluated: 2023-01-30. Review status: criteria provided, single submitter. Criteria: Invitae Variant Classification Sherloc (09022015). Collection method: clinical testing. Allele origin: germline.
Comment: For these reasons, this variant has been classified as Pathogenic. ClinVar contains an entry for this variant (Variation ID: 1444240). This premature translational stop signal has been observed in individual(s) with Alström syndrome (PMID: 26047050, 31755649). This variant is present in population databases (no rsID available, gnomAD 0.003%). This sequence change creates a premature translational stop signal (p.Glu1901Argfs*18) in the ALMS1 gene. It is expected to result in an absent or disrupted protein product. Loss-of-function variants in ALMS1 are known to be pathogenic (PMID: 17594715).

Literature cited by the submitters: PubMed 26047050; PubMed 31755649; PubMed 17594715.